The following is an entry in ClinVar:

ClinVar aggregate classification (germline): Uncertain significance (1 of 4 stars; one submission).

Conditions:
Spastic paraplegia. Identifiers: MedGen C0037772, HP:0001258.

Allele frequency attached by ClinVar (database versions not stated): TOPMed below 0.00001; ExAC 0.00001.

Submission:

Labcorp Genetics (formerly Invitae), Labcorp
Classification: Uncertain significance for Spastic paraplegia. Last evaluated: 2022-08-10. Review status: criteria provided, single submitter. Criteria: Invitae Variant Classification Sherloc (09022015). Collection method: clinical testing. Allele origin: germline.
Comment: In summary, the available evidence is currently insufficient to determine the role of this variant in disease. Therefore, it has been classified as a Variant of Uncertain Significance. Algorithms developed to predict the effect of sequence changes on RNA splicing suggest that this variant may disrupt the consensus splice site. This variant has not been reported in the literature in individuals affected with B4GALNT1-related conditions. This variant is not present in population databases (gnomAD no frequency). This sequence change affects codon 86 of the B4GALNT1 mRNA. It is a 'silent' change, meaning that it does not change the encoded amino acid sequence of the B4GALNT1 protein.

NM_001478.5(B4GALNT1):c.258G>A (p.Gly86=)

Gene: B4GALNT1 (beta-1,4-N-acetyl-galactosaminyltransferase 1; minus strand). Cytogenetic location: 12q13.3.
Variant type: single nucleotide variant.
Coding change: c.258G>A on transcript NM_001478.5 (MANE Select); coding-DNA position 258, G replaced by A.
Protein change: p.Gly86=; no amino-acid change (glycine 86 retained).
Molecular consequence: synonymous variant. On other transcripts: intron variant (6).
Genome position (GRCh38, 1-based): chr12:57,631,325, C>T on the plus strand (G>A on the coding strand, the complement: B4GALNT1 is on the minus strand). VCF-style: chr12-57631325-C-T. GRCh37 (hg19) VCF-style: chr12-58025108-C-T.
Other names: c.258G>A, p.Gly86= (NM_001276469.2, NM_001413967.1, NM_001413968.1 and 9 more transcripts); c.219-239G>A (NM_001413978.1, NM_001276468.2); c.-660+14G>A (NM_001413984.1, NM_001413982.1, NM_001413981.1 and 1 more transcripts).
Identifiers: ClinVar variation 2037263 (VCV002037263.4), dbSNP rs765933732, ClinGen allele CA6655841.